The following is an entry in ClinVar:

NM_001127644.2(GABRA1):c.641G>A (p.Arg214His)

Gene: GABRA1 (gamma-aminobutyric acid type A receptor subunit alpha1; plus strand). Cytogenetic location: 5q34.
Variant type: single nucleotide variant.
Coding change: c.641G>A on transcript NM_001127644.2 (MANE Select); coding-DNA position 641, G replaced by A.
Protein change: p.Arg214His; replaces arginine 214 with histidine.
Molecular consequence: missense variant.
Genome position (GRCh38, 1-based): chr5:161,882,639, G>A. VCF-style: chr5-161882639-G-A. GRCh37 (hg19) VCF-style: chr5-161309645-G-A.
Other names: c.641G>A, p.Arg214His (NM_000806.5, NM_001127643.2, NM_001127645.2 and 1 more transcripts); short protein forms R214H.
Identifiers: ClinVar variation 265162 (VCV000265162.60), dbSNP rs886039373, ClinGen allele CA10588398.
Genomic context (GRCh38, chr5:161,882,639, plus strand): 5'-TTGTTTATGAATGGACCAGAGAGCCAGCACGCTCAGTGGTTGTAGCAGAAGATGGATCAC[G>A]TCTAAACCAGTATGACCTTCTTGGACAAACAGTAGACTCTGGAATTGTCCAGTCAAGTAC-3'
Protein context (NP_001121116.1, residues 204-224): RSVVVAEDGS[Arg214His]LNQYDLLGQT

ClinVar aggregate classification (germline): Pathogenic/Likely pathogenic. Review status: criteria provided, multiple submitters, no conflicts (2 of 4 stars). 10 submissions from 10 submitters: Pathogenic (6); Likely pathogenic (2). 2 of the submissions do not count toward it. Last evaluated 2025-06-08.

Conditions:
GABRA1-related disorder. Also called: GABRA1-related condition.
Epilepsy, idiopathic generalized, susceptibility to, 13. Also called: EPILEPSY, JUVENILE MYOCLONIC, SUSCEPTIBILITY TO, 5. Identifiers: Orphanet 307, Orphanet 64280, MedGen C4013473, MONDO:0012627, OMIM 611136.
Epilepsy, childhood absence 4 (ECA4). Also called: EPILEPSY, CHILDHOOD ABSENCE, SUSCEPTIBILITY TO, 4. Identifiers: Orphanet 307, MedGen C1970160.
Idiopathic generalized epilepsy. Also called: EIG; Generalised epilepsy. Identifiers: MedGen C0270850, MONDO:0005579, OMIM 600669.
Developmental and epileptic encephalopathy, 19 (DEE19). Also called: Epileptic encephalopathy, early infantile, 19. Identifiers: Orphanet 33069, MedGen C3810400, MONDO:0014328, OMIM 615744.

Submissions (10):

Labcorp Genetics (formerly Invitae), Labcorp
Classification: Pathogenic for Epilepsy, childhood absence 4; Epilepsy, idiopathic generalized, susceptibility to, 13; Idiopathic generalized epilepsy. Last evaluated: 2025-06-08. Review status: criteria provided, single submitter. Criteria: Invitae Variant Classification Sherloc (09022015). Collection method: clinical testing. Allele origin: germline.
Comment: This sequence change replaces arginine, which is basic and polar, with histidine, which is basic and polar, at codon 214 of the GABRA1 protein (p.Arg214His). This variant is not present in population databases (gnomAD no frequency). This missense change has been observed in individual(s) with Dravet syndrome-like phenotype (PMID: 27353043). In at least one individual the variant was observed to be de novo. ClinVar contains an entry for this variant (Variation ID: 265162). Invitae Evidence Modeling of protein sequence and biophysical properties (such as structural, functional, and spatial information, amino acid conservation, physicochemical variation, residue mobility, and thermodynamic stability) has been performed for this missense variant. However, the output from this modeling did not meet the statistical confidence thresholds required to predict the impact of this variant on GABRA1 protein function. Experimental studies have shown that this missense change affects GABRA1 function (PMID: 27353043). For these reasons, this variant has been classified as Pathogenic.

CeGaT Center for Human Genetics Tuebingen
Classification: Pathogenic. Last evaluated: 2024-11-01. Review status: criteria provided, single submitter. Criteria: CeGaT Center For Human Genetics Tuebingen Variant Classification Criteria Version 2. Collection method: clinical testing. Allele origin: germline. Affected: yes. Observed: 3 variant alleles.
Comment: GABRA1: PM2, PM5, PM6, PS4:Moderate, PP2, PP3, PS3:Supporting

Clinical Genetics Laboratory, Skane University Hospital Lund
Classification: Pathogenic for Developmental and epileptic encephalopathy, 19. Last evaluated: 2023-05-10. Review status: criteria provided, single submitter. Criteria: ACMG Guidelines, 2015. Collection method: clinical testing. Allele origin: germline. Affected: yes.
Comment: PS3, PS4, PM2, PP3

GeneDx
Classification: Pathogenic. Last evaluated: 2022-06-23. Review status: criteria provided, single submitter. Criteria: GeneDx Variant Classification Process June 2021. Collection method: clinical testing. Allele origin: germline. Affected: yes.
Comment: Published functional study demonstrates a damaging effect due to impaired GABA-A receptor inhibitory function (Johannesen et al., 2016); Not observed at significant frequency in large population cohorts (gnomAD); In silico analysis supports that this missense variant has a deleterious effect on protein structure/function; This variant is associated with the following publications: (PMID: 27353043, 30185235, 32238909, 27535533, 27521439)

Blueprint Genetics
Classification: Pathogenic for GABRA1-related disorders. Last evaluated: 2020-09-01. Review status: criteria provided, single submitter. Criteria: ACMG Guidelines, 2015. Collection method: clinical testing. Allele origin: germline. Affected: yes. Observed: 2 variant alleles.

Cavalleri Lab, Royal College of Surgeons in Ireland
Classification: Likely pathogenic for Developmental and epileptic encephalopathy, 19. Last evaluated: 2019-12-11. Review status: criteria provided, single submitter. Criteria: ACMG Guidelines, 2015. Collection method: research. Allele origin: de novo. Inheritance: Sporadic. Affected: yes.
Comment: ACMG evidence PS2, PM2, PP2, PP3, PP5

Center of Genomic medicine, Geneva, University Hospital of Geneva
Classification: Likely pathogenic for Developmental and epileptic encephalopathy, 19. Last evaluated: 2016-07-05. Review status: criteria provided, single submitter. Criteria: ACMG Guidelines, 2015. Collection method: clinical testing. Allele origin: de novo. Affected: yes.

Juno Genomics, Hangzhou Juno Genomics, Inc
Classification: Pathogenic for Epilepsy, idiopathic generalized, susceptibility to, 13; Developmental and epileptic encephalopathy, 19. Review status: criteria provided, single submitter. Criteria: ACMG Guidelines, 2015. Collection method: clinical testing. Allele origin: germline. Affected: yes.
Comment: Absent from controls (or at extremely low frequency if recessive) in Genome Aggregation Database, Exome Sequencing Project, 1000 Genomes Project, or Exome Aggregation Consortium.;Missense variant in a gene that has a low rate of benign missense variation and where missense variants are a common mechanism of disease.;The prevalence of the variant in affected individuals is significantly increased compared to the prevalence in controls.;Assumed de novo, but without confirmation of paternity and maternity.;Located in a mutational hot spot and/or critical and well-established functional domain (e.g. active site of an enzyme) without benign variation.

Genatak
Classification: Pathogenic for Developmental and epileptic encephalopathy, 19. Last evaluated: 2018-06-23. Review status: no assertion criteria provided. Collection method: clinical testing. Allele origin: de novo. Affected: yes. Observed: 1 heterozygote. Not counted in ClinVar's aggregate classification.

Center of Excellence for Medical Genomics, Chulalongkorn University
Classification: Pathogenic for Developmental and epileptic encephalopathy, 19. Last evaluated: 2002-09-08. Review status: no assertion criteria provided. Collection method: research. Allele origin: unknown. Affected: yes. Not counted in ClinVar's aggregate classification.

Literature cited by the submitters: PubMed 27353043 (cited by Labcorp Genetics (formerly Invitae), Labcorp); PubMed 32238909 (cited by Cavalleri Lab, Royal College of Surgeons in Ireland).